The following is an entry in ClinVar:

ClinVar aggregate classification (germline): Uncertain significance. Review status: criteria provided, multiple submitters, no conflicts (2 of 4 stars). 2 submissions from 2 submitters: Uncertain significance (2). Last evaluated 2026-01-08.

Conditions:
Inborn genetic diseases. Identifiers: MedGen C0950123, MeSH D030342.

gnomAD v4.1: 163 of 1,524,758 alleles (0.011%); highest among the groups gnomAD compares: Admixed American, 0.014%; no homozygotes.

Submissions (2):

Labcorp Genetics (formerly Invitae), Labcorp
Classification: Uncertain significance. Last evaluated: 2026-01-08. Review status: criteria provided, single submitter. Criteria: Invitae Variant Classification Sherloc (09022015). Collection method: clinical testing. Allele origin: germline.
Comment: This sequence change replaces proline, which is neutral and non-polar, with serine, which is neutral and polar, at codon 131 of the B4GALT1 protein (p.Pro131Ser). This variant is present in population databases (rs770669410, gnomAD 0.02%). This variant has not been reported in the literature in individuals affected with B4GALT1-related conditions. ClinVar contains an entry for this variant (Variation ID: 3259390). Invitae Evidence Modeling of protein sequence and biophysical properties (such as structural, functional, and spatial information, amino acid conservation, physicochemical variation, residue mobility, and thermodynamic stability) indicates that this missense variant is not expected to disrupt B4GALT1 protein function with a negative predictive value of 80%. In summary, the available evidence is currently insufficient to determine the role of this variant in disease. Therefore, it has been classified as a Variant of Uncertain Significance.

Ambry Genetics
Classification: Uncertain significance for Inborn genetic diseases. Last evaluated: 2024-05-01. Review status: criteria provided, single submitter. Criteria: Ambry Variant Classification Scheme 2023. Collection method: clinical testing. Allele origin: germline.

NM_001497.4(B4GALT1):c.391C>T (p.Pro131Ser)

Gene: B4GALT1 (beta-1,4-galactosyltransferase 1; minus strand). Cytogenetic location: 9p21.1.
Variant type: single nucleotide variant.
Coding change: c.391C>T on transcript NM_001497.4 (MANE Select); coding-DNA position 391, C replaced by T.
Protein change: p.Pro131Ser; replaces proline 131 with serine.
Molecular consequence: missense variant.
Genome position (GRCh38, 1-based): chr9:33,166,779, G>A on the plus strand (C>T on the coding strand, the complement: B4GALT1 is on the minus strand). VCF-style: chr9-33166779-G-A. GRCh37 (hg19) VCF-style: chr9-33166777-G-A.
Other names: c.352C>T, p.Pro118Ser (NM_001378495.1); c.391C>T, p.Pro131Ser (NM_001378496.1, NM_001378497.1); short protein forms P131S, P118S.
Identifiers: ClinVar variation 3259390 (VCV003259390.2).